The following is an entry in ClinVar:

ClinVar aggregate classification (germline): Uncertain significance. Review status: criteria provided, multiple submitters, no conflicts (2 of 4 stars). 2 submissions from 2 submitters: Uncertain significance (2). Last evaluated 2025-10-19.

Conditions:
Cardiomyopathy (CMYO). Also called: Cardiomyopathies. Identifiers: Orphanet 167848, MedGen C0878544, MONDO:0004994, HP:0001638. Inheritance: Various modes of inheritance.
Hypertrophic cardiomyopathy. Also called: HYPERTROPHIC MYOCARDIOPATHY. Identifiers: Orphanet 217569, MedGen C0007194, MeSH D002312, MONDO:0005045, HP:0001639.

Allele frequency attached by ClinVar (database versions not stated): gnomAD exomes below 0.00001.
gnomAD v4.1: 1 of 1,614,230 alleles (0.000062%); highest among the groups gnomAD compares: African/African-American, 0.0013%; no homozygotes.

Submissions (2):

Labcorp Genetics (formerly Invitae), Labcorp
Classification: Uncertain significance for Hypertrophic cardiomyopathy. Last evaluated: 2025-10-19. Review status: criteria provided, single submitter. Criteria: Invitae Variant Classification Sherloc (09022015). Collection method: clinical testing. Allele origin: germline.
Comment: This sequence change replaces glutamic acid, which is acidic and polar, with lysine, which is basic and polar, at codon 243 of the TPM1 protein (p.Glu243Lys). This variant is not present in population databases (gnomAD no frequency). This variant has not been reported in the literature in individuals affected with TPM1-related conditions. ClinVar contains an entry for this variant (Variation ID: 2442988). An algorithm developed to predict the effect of missense changes on protein structure and function (PolyPhen-2) suggests that this variant is likely to be disruptive. In summary, the available evidence is currently insufficient to determine the role of this variant in disease. Therefore, it has been classified as a Variant of Uncertain Significance.

CHEO Genetics Diagnostic Laboratory, Children's Hospital of Eastern Ontario
Classification: Uncertain significance for Cardiomyopathy. Last evaluated: 2021-10-18. Review status: criteria provided, single submitter. Criteria: ACMG Guidelines, 2015. Collection method: clinical testing. Allele origin: germline.

NM_001018005.2(TPM1):c.727G>A (p.Glu243Lys)

Gene: TPM1 (tropomyosin 1; plus strand). Cytogenetic location: 15q22.2.
Variant type: single nucleotide variant.
Coding change: c.727G>A on transcript NM_001018005.2 (MANE Select); coding-DNA position 727, G replaced by A.
Protein change: p.Glu243Lys; replaces glutamic acid 243 with lysine.
Molecular consequence: missense variant.
Genome position (GRCh38, 1-based): chr15:63,062,600, G>A. VCF-style: chr15-63062600-G-A. GRCh37 (hg19) VCF-style: chr15-63354799-G-A.
Other names: c.619G>A, p.Glu207Lys (NM_001301289.2, NM_001330344.2, NM_001330346.2 and 9 more transcripts); c.727G>A, p.Glu243Lys (NM_001365776.1, NM_001365777.1, NM_001407330.1 and 20 more transcripts); c.853G>A, p.Glu285Lys (NM_001365778.1, NM_001407322.1, NM_001407323.1 and 1 more transcripts); short protein forms E207K, E243K, E285K.
Identifiers: ClinVar variation 2442988 (VCV002442988.3), dbSNP rs2542850884, ClinGen allele CA392724585.
Genomic context (GRCh38, chr15:63,062,600, plus strand): 5'-AAACTTCCCAACTTTAACTCAAATAAATCATTACAGGCTGAGACTCGGGCTGAGTTTGCG[G>A]AGAGGTCAGTAACTAAATTGGAGAAAAGCATTGATGACTTAGAAGGTAAGATCTTAAGTA-3'
Protein context (NP_001018005.1, residues 233-253): KEAETRAEFA[Glu243Lys]RSVTKLEKSI